The following is an entry in ClinVar:

NM_000126.4(ETFA):c.323T>C (p.Ile108Thr)

Gene: ETFA (electron transfer flavoprotein subunit alpha; minus strand). Cytogenetic location: 15q24.2.
Variant type: single nucleotide variant.
Coding change: c.323T>C on transcript NM_000126.4 (MANE Select); coding-DNA position 323, T replaced by C.
Protein change: p.Ile108Thr; replaces isoleucine 108 with threonine.
Molecular consequence: missense variant.
Genome position (GRCh38, 1-based): chr15:76,292,459, A>G on the plus strand (T>C on the coding strand, the complement: ETFA is on the minus strand). VCF-style: chr15-76292459-A-G. GRCh37 (hg19) VCF-style: chr15-76584800-A-G.
Other names: c.176T>C, p.Ile59Thr (NM_001127716.2); short protein forms I108T, I59T.
Identifiers: ClinVar variation 1994681 (VCV001994681.4), dbSNP rs1414148078, ClinGen allele CA393516827.

ClinVar aggregate classification (germline): Uncertain significance (1 of 4 stars; one submission).

Conditions:
Multiple acyl-CoA dehydrogenase deficiency (MADD). Also called: Glutaric acidemia type II; GA 2; Glutaric aciduria, type 2; ETHYLMALONIC-ADIPICACIDURIA; GA II; Glutaric Acidemia type 2. Identifiers: Orphanet 26791, MedGen C0268596, MONDO:0009282, OMIM 231680.

gnomAD v4.1: 1 of 1,613,644 alleles (0.000062%); highest among the groups gnomAD compares: South Asian, 0.0011%; no homozygotes.

Submission:

Labcorp Genetics (formerly Invitae), Labcorp
Classification: Uncertain significance for Multiple acyl-CoA dehydrogenase deficiency. Last evaluated: 2022-05-15. Review status: criteria provided, single submitter. Criteria: Invitae Variant Classification Sherloc (09022015). Collection method: clinical testing. Allele origin: germline.
Comment: In summary, the available evidence is currently insufficient to determine the role of this variant in disease. Therefore, it has been classified as a Variant of Uncertain Significance. Algorithms developed to predict the effect of missense changes on protein structure and function (SIFT, PolyPhen-2, Align-GVGD) all suggest that this variant is likely to be disruptive. This variant has not been reported in the literature in individuals affected with ETFA-related conditions. This variant is not present in population databases (gnomAD no frequency). This sequence change replaces isoleucine, which is neutral and non-polar, with threonine, which is neutral and polar, at codon 108 of the ETFA protein (p.Ile108Thr).